The following is an entry in ClinVar:

NM_000836.4(GRIN2D):c.2214del (p.Gln738fs)

Gene: GRIN2D (glutamate ionotropic receptor NMDA type subunit 2D; plus strand). Cytogenetic location: 19q13.33.
Variant type: Deletion.
Coding change: c.2214del on transcript NM_000836.4 (MANE Select); coding-DNA position 2214, one base deleted (G; older notation c.2214delG).
Protein change: p.Gln738fs; shifts the reading frame from glutamine 738.
Molecular consequence: frameshift variant.
Genome position (GRCh38, 1-based): chr19:48,421,907, G deleted. VCF-style (leftmost placement, unchanged base first): chr19-48421906-AG-A. GRCh37 (hg19) VCF-style: chr19-48925163-AG-A.
Other names: c.2214del (NM_000836.2); short protein forms Q738fs.
Identifiers: ClinVar variation 2114589 (VCV002114589.5), dbSNP rs2513676879, ClinGen allele CA2580097531.

ClinVar aggregate classification (germline): Uncertain significance. Review status: criteria provided, multiple submitters, no conflicts (2 of 4 stars). 2 submissions from 2 submitters: Uncertain significance (2). Last evaluated 2026-03-28.

Submissions (2):

GeneDx
Classification: Uncertain significance. Last evaluated: 2026-03-28. Review status: criteria provided, single submitter. Criteria: GeneDx Variant Classification Process June 2021. Collection method: clinical testing. Allele origin: germline.
Comment: Not observed at significant frequency in large population cohorts (gnomAD); Frameshift variant predicted to result in protein truncation or nonsense mediated decay in a gene or region of a gene for which loss of function is not a well-established mechanism of disease; Has not been previously published as pathogenic or benign to our knowledge

Labcorp Genetics (formerly Invitae), Labcorp
Classification: Uncertain significance. Last evaluated: 2022-03-19. Review status: criteria provided, single submitter. Criteria: Invitae Variant Classification Sherloc (09022015). Collection method: clinical testing. Allele origin: germline.
Comment: In summary, the available evidence is currently insufficient to determine the role of this variant in disease. Therefore, it has been classified as a Variant of Uncertain Significance. Algorithms developed to predict the effect of sequence changes on RNA splicing suggest that this variant may create or strengthen a splice site. This variant has not been reported in the literature in individuals affected with GRIN2D-related conditions. This variant is not present in population databases (gnomAD no frequency). This sequence change creates a premature translational stop signal (p.Gln738Hisfs*4) in the GRIN2D gene. It is expected to result in an absent or disrupted protein product. However, the current clinical and genetic evidence is not sufficient to establish whether loss-of-function variants in GRIN2D cause disease.